The following is an entry in ClinVar:

NM_001430.5(EPAS1):c.1657G>A (p.Ala553Thr)

Gene: EPAS1 (endothelial PAS domain protein 1; plus strand). Cytogenetic location: 2p21.
Variant type: single nucleotide variant.
Coding change: c.1657G>A on transcript NM_001430.5 (MANE Select); coding-DNA position 1657, G replaced by A.
Protein change: p.Ala553Thr; replaces alanine 553 with threonine.
Molecular consequence: missense variant.
Genome position (GRCh38, 1-based): chr2:46,380,329, G>A. VCF-style: chr2-46380329-G-A. GRCh37 (hg19) VCF-style: chr2-46607468-G-A.
Other names: short protein forms A553T.
Identifiers: ClinVar variation 1777382 (VCV001777382.2), dbSNP rs1318500241, ClinGen allele CA346704601.

ClinVar aggregate classification (germline): Uncertain significance (1 of 4 stars; one submission).

Conditions:
Inborn genetic diseases. Identifiers: MedGen C0950123, MeSH D030342.

Allele frequency attached by ClinVar (database versions not stated): gnomAD exomes below 0.00001; TOPMed below 0.00001; gnomAD 0.00001.
gnomAD v4.1: 10 of 1,614,008 alleles (0.00062%); highest among the groups gnomAD compares: Non-Finnish European, 0.00068%; no homozygotes.

Submission:

Ambry Genetics
Classification: Uncertain significance for Inborn genetic diseases. Last evaluated: 2024-01-22. Review status: criteria provided, single submitter. Criteria: Ambry Variant Classification Scheme 2023. Collection method: clinical testing. Allele origin: germline.
Comment: The p.A553T variant (also known as c.1657G>A), located in coding exon 12 of the EPAS1 gene, results from a G to A substitution at nucleotide position 1657. The alanine at codon 553 is replaced by threonine, an amino acid with similar properties. This amino acid position is conserved. In addition, this alteration is predicted to be tolerated by in silico analysis. Since supporting evidence is limited at this time, the clinical significance of this alteration remains unclear.